The following is an entry in ClinVar:

ClinVar aggregate classification (germline): Likely benign. Review status: criteria provided, multiple submitters, no conflicts (2 of 4 stars). 3 submissions from 3 submitters: Likely benign (3). Last evaluated 2026-02-18.

Conditions:
PKD2-related disorder. Also called: PKD2-related condition.
Autosomal dominant polycystic kidney disease. Identifiers: Orphanet 730, MedGen C0085413, MONDO:0004691.

Allele frequency attached by ClinVar (database versions not stated): gnomAD exomes 0.00002 and 0.00006; ExAC 0.00012; gnomAD 0.00021 and 0.00023; TOPMed 0.00025; 1000 Genomes Project 30x 0.00031; ESP Exome Variant Server 0.00031; 1000 Genomes Project 0.00040.
gnomAD v4.1: 71 of 1,614,102 alleles (0.0044%); highest among the groups gnomAD compares: African/African-American, 0.081%; no homozygotes.

Submissions (3):

PreventionGenetics, part of Exact Sciences
Classification: Likely benign for PKD2-related condition. Last evaluated: 2026-02-18. Review status: criteria provided, single submitter. Criteria: ACMG Guidelines, 2015. Collection method: clinical testing. Allele origin: germline.
Comment: This variant is classified as likely benign based on ACMG/AMP sequence variant interpretation guidelines (Richards et al. 2015 PMID: 25741868, with internal and published modifications).

Labcorp Genetics (formerly Invitae), Labcorp
Classification: Likely benign for Autosomal dominant polycystic kidney disease. Last evaluated: 2025-11-23. Review status: criteria provided, single submitter. Criteria: Invitae Variant Classification Sherloc (09022015). Collection method: clinical testing. Allele origin: germline.

Blueprint Genetics
Classification: Likely benign. Last evaluated: 2020-09-30. Review status: criteria provided, single submitter. Criteria: ACMG Guidelines, 2015. Collection method: clinical testing. Allele origin: germline.

NM_000297.4(PKD2):c.2866G>A (p.Glu956Lys)

Gene: PKD2 (polycystin 2, transient receptor potential cation channel; plus strand). Cytogenetic location: 4q22.1.
Variant type: single nucleotide variant.
Coding change: c.2866G>A on transcript NM_000297.4 (MANE Select); coding-DNA position 2866, G replaced by A.
Protein change: p.Glu956Lys; replaces glutamic acid 956 with lysine.
Molecular consequence: missense variant. On other transcripts: non-coding transcript variant (1).
Genome position (GRCh38, 1-based): chr4:88,075,653, G>A. VCF-style: chr4-88075653-G-A. GRCh37 (hg19) VCF-style: chr4-88996805-G-A.
Other names: short protein forms E956K.
Identifiers: ClinVar variation 696495 (VCV000696495.9), dbSNP rs142701912, ClinGen allele CA3004383.